The following is an entry in ClinVar:

NM_004360.5(CDH1):c.324A>T (p.Arg108Ser)

Gene: CDH1 (cadherin 1; plus strand). Cytogenetic location: 16q22.1.
Variant type: single nucleotide variant.
Coding change: c.324A>T on transcript NM_004360.5 (MANE Select); coding-DNA position 324, A replaced by T.
Protein change: p.Arg108Ser; replaces arginine 108 with serine.
Molecular consequence: missense variant. On other transcripts: 5 prime UTR variant (2).
Genome position (GRCh38, 1-based): chr16:68,801,830, A>T. VCF-style: chr16-68801830-A-T. GRCh37 (hg19) VCF-style: chr16-68835733-A-T.
Other names: c.324A>T, p.Arg108Ser (NM_001317184.2); c.-1292A>T (NM_001317185.2); c.-1496A>T (NM_001317186.2); short protein forms R108S.
Identifiers: ClinVar variation 1692798 (VCV001692798.5), dbSNP rs116542018, ClinGen allele CA396457388.

ClinVar aggregate classification (germline): Uncertain significance. Review status: criteria provided, multiple submitters, no conflicts (2 of 4 stars). 3 submissions from 3 submitters: Uncertain significance (3). Last evaluated 2024-08-04.

Conditions:
Hereditary diffuse gastric adenocarcinoma (HDGC). Also called: DIFFUSE GASTRIC AND LOBULAR BREAST CANCER SYNDROME. Identifiers: Orphanet 26106, MedGen C1708349, MONDO:0007648, OMIM 137215.
Hereditary cancer-predisposing syndrome. Also called: Neoplastic Syndromes, Hereditary; Hereditary Cancer Syndrome; Tumor predisposition; Hereditary neoplastic syndrome. Identifiers: Orphanet 140162, MedGen C0027672, MeSH D009386, MONDO:0015356.

Submissions (3):

Labcorp Genetics (formerly Invitae), Labcorp
Classification: Uncertain significance for Hereditary diffuse gastric adenocarcinoma. Last evaluated: 2024-08-04. Review status: criteria provided, single submitter. Criteria: Invitae Variant Classification Sherloc (09022015). Collection method: clinical testing. Allele origin: germline.
Comment: This sequence change replaces arginine, which is basic and polar, with serine, which is neutral and polar, at codon 108 of the CDH1 protein (p.Arg108Ser). This variant is not present in population databases (gnomAD no frequency). This variant has not been reported in the literature in individuals affected with CDH1-related conditions. ClinVar contains an entry for this variant (Variation ID: 1692798). An algorithm developed to predict the effect of missense changes on protein structure and function (PolyPhen-2) suggests that this variant is likely to be tolerated. Algorithms developed to predict the effect of sequence changes on RNA splicing suggest that this variant may create or strengthen a splice site. In summary, the available evidence is currently insufficient to determine the role of this variant in disease. Therefore, it has been classified as a Variant of Uncertain Significance.

Sema4
Classification: Uncertain significance for Hereditary cancer-predisposing syndrome. Last evaluated: 2022-02-23. Review status: criteria provided, single submitter. Criteria: Sema4 Curation Guidelines. Collection method: curation. Allele origin: germline.
Comment: The CDH1 c.324A>T (p.R108S) variant has not been reported in the literature to our knowledge. This variant is not reported in the population database Genome Aggregation Database (PMID: 32461654). This variant has not been reported in ClinVar. Functional studies have not been performed, and in silico predictions of the variant's effect on protein function are inconclusive. The evidence is insufficient to meet ACMG/AMP criteria for classifying the variant as benign or pathogenic. Thus, the clinical significance of this variant is currently uncertain.

Ambry Genetics
Classification: Uncertain significance for Hereditary cancer-predisposing syndrome. Last evaluated: 2021-09-08. Review status: criteria provided, single submitter. Criteria: Ambry Variant Classification Scheme 2023. Collection method: clinical testing. Allele origin: germline.
Comment: The p.R108S variant (also known as c.324A>T), located in coding exon 3 of the CDH1 gene, results from an A to T substitution at nucleotide position 324. The arginine at codon 108 is replaced by serine, an amino acid with dissimilar properties. This amino acid position is not well conserved in available vertebrate species. In silico splice site analysis predicts that this alteration will result in the creation or strengthening of a novel splice donor site; however, direct evidence is insufficient at this time (Ambry internal data). In addition, this alteration is predicted to be tolerated by in silico analysis. Since supporting evidence is limited at this time, the clinical significance of this alteration remains unclear.